The following is an entry in ClinVar:

NM_001283009.2(RTEL1):c.3056A>G (p.Gln1019Arg)

Genes: RTEL1 (regulator of telomere elongation helicase 1; plus strand), RTEL1-TNFRSF6B (RTEL1-TNFRSF6B readthrough (NMD candidate); plus strand). Cytogenetic location: 20q13.33.
Variant type: single nucleotide variant.
Coding change: c.3056A>G on transcript NM_001283009.2 (MANE Select); coding-DNA position 3056, A replaced by G.
Protein change: p.Gln1019Arg; replaces glutamine 1019 with arginine.
Molecular consequence: missense variant. On other transcripts: non-coding transcript variant (1).
Genome position (GRCh38, 1-based): chr20:63,694,435, A>G. VCF-style: chr20-63694435-A-G. GRCh37 (hg19) VCF-style: chr20-62325788-A-G.
Other names: p.Gln1043Arg; c.2387A>G, p.Gln796Arg (NM_001283010.1); c.3056A>G, p.Gln1019Arg (NM_016434.4); c.3128A>G, p.Gln1043Arg (NM_032957.5); short protein forms Q1019R, Q1043R, Q796R.
Identifiers: ClinVar variation 436577 (VCV000436577.37), dbSNP rs116053476, ClinGen allele CA9965816.

ClinVar aggregate classification (germline): Benign/Likely benign. Review status: criteria provided, multiple submitters, no conflicts (2 of 4 stars). 6 submissions from 6 submitters: Benign (5); Likely benign (1). Last evaluated 2026-02-03.

Conditions:
Dyskeratosis congenita, autosomal recessive 5 (DKCB5). Identifiers: MedGen C3554656, MONDO:0014076, OMIM 615190.
Pulmonary fibrosis and/or bone marrow failure, Telomere-related, 3. Also called: PULMONARY FIBROSIS AND/OR BONE MARROW FAILURE SYNDROME, TELOMERE-RELATED, 3. Identifiers: Orphanet 2032, MedGen C4225346, MONDO:0014613, OMIM 616373.

Allele frequency attached by ClinVar (database versions not stated): TOPMed 0.00366; ESP Exome Variant Server 0.00433; 1000 Genomes Project 30x 0.00609; ExAC 0.00127; gnomAD 0.00297 and 0.00305; 1000 Genomes Project 0.00639.
gnomAD v4.1: 1,087 of 1,611,978 alleles (0.067%); highest among the groups gnomAD compares: African/African-American, 0.97%; 7 homozygotes.

Submissions (6):

Labcorp Genetics (formerly Invitae), Labcorp
Classification: Benign for Dyskeratosis congenita, autosomal recessive 5; Pulmonary fibrosis and/or bone marrow failure, Telomere-related, 3. Last evaluated: 2026-02-03. Review status: criteria provided, single submitter. Criteria: Invitae Variant Classification Sherloc (09022015). Collection method: clinical testing. Allele origin: germline.

ARUP Laboratories, Molecular Genetics and Genomics, ARUP Laboratories
Classification: Likely benign. Last evaluated: 2025-02-26. Review status: criteria provided, single submitter. Criteria: ARUP Molecular Germline Variant Investigation Process 2024. Collection method: clinical testing. Allele origin: germline.

CeGaT Center for Human Genetics Tuebingen
Classification: Benign. Last evaluated: 2024-07-01. Review status: criteria provided, single submitter. Criteria: CeGaT Center For Human Genetics Tuebingen Variant Classification Criteria Version 2. Collection method: clinical testing. Allele origin: germline. Affected: yes. Observed: 1 variant allele.
Comment: RTEL1: BP4, BS1, BS2

Mayo Clinic Laboratories, Mayo Clinic
Classification: Benign. Last evaluated: 2024-04-04. Review status: criteria provided, single submitter. Criteria: ACMG Guidelines, 2015. Collection method: clinical testing. Allele origin: germline. Observed: 3 variant alleles.
Comment: BS1, BS2, BP4

Genetic Services Laboratory, University of Chicago
Classification: Benign. Last evaluated: 2017-06-23. Review status: criteria provided, single submitter. Criteria: ACMG Guidelines, 2015. Collection method: clinical testing. Allele origin: germline. Affected: no.

Breakthrough Genomics
Classification: Benign. Review status: criteria provided, single submitter. Criteria: ACMG Guidelines, 2015. Collection method: not provided. Allele origin: germline. Inheritance: Autosomal recessive inheritance. Affected: yes.